The following is an entry in ClinVar:

ClinVar aggregate classification (germline): Uncertain significance (1 of 4 stars; one submission).

Conditions:
TOP3A-related disorder. Also called: TOP3A-related condition; TOP3A-related disorders.

Submission:

PreventionGenetics, part of Exact Sciences
Classification: Uncertain significance for TOP3A-related condition. Last evaluated: 2023-09-07. Review status: criteria provided, single submitter. Criteria: ACMG Guidelines, 2015. Collection method: clinical testing. Allele origin: germline.
Comment: The TOP3A c.1754G>A variant is predicted to result in the amino acid substitution p.Arg585Gln. To our knowledge, this variant has not been reported in the literature. This variant is reported in 0.0018% of alleles in individuals of European (Non-Finnish) descent in gnomAD. At this time, the clinical significance of this variant is uncertain due to the absence of conclusive functional and genetic evidence.

NM_004618.5(TOP3A):c.1754G>A (p.Arg585Gln)

Gene: TOP3A (DNA topoisomerase III alpha; minus strand). Cytogenetic location: 17p11.2.
Variant type: single nucleotide variant.
Coding change: c.1754G>A on transcript NM_004618.5 (MANE Select); coding-DNA position 1754, G replaced by A.
Protein change: p.Arg585Gln; replaces arginine 585 with glutamine.
Molecular consequence: missense variant.
Genome position (GRCh38, 1-based): chr17:18,285,265, C>T on the plus strand (G>A on the coding strand, the complement: TOP3A is on the minus strand). VCF-style: chr17-18285265-C-T. GRCh37 (hg19) VCF-style: chr17-18188579-C-T.
Other names: c.1469G>A, p.Arg490Gln (NM_001320759.2); short protein forms R490Q, R585Q.
Identifiers: ClinVar variation 2636829 (VCV002636829.1), dbSNP rs1211476802, ClinGen allele CA398628867.